The following is an entry in ClinVar:

NM_001206927.2(DNAH8):c.7086_7089dup (p.Glu2364fs)

Gene: DNAH8 (dynein axonemal heavy chain 8; plus strand). Cytogenetic location: 6p21.2.
Variant type: Duplication.
Coding change: c.7086_7089dup on transcript NM_001206927.2 (MANE Select); coding-DNA positions 7086 to 7089, 4 bases duplicated (AACA; older notation c.7086_7089dupAACA).
Protein change: p.Glu2364fs; shifts the reading frame from glutamic acid 2364.
Molecular consequence: frameshift variant.
Genome position (GRCh38, 1-based): chr6:38,872,631-38,872,634, AACA duplicated; duplicating any 4 consecutive bases within chr6:38,872,629-38,872,634 gives the same sequence; the c. name uses the placement nearest the transcript's 3' end. VCF-style (leftmost placement, unchanged base first): chr6-38872628-G-GCAAA. GRCh37 (hg19) VCF-style: chr6-38840404-G-GCAAA.
Other names: c.6435_6438dup, p.Glu2147fs (NM_001371.4); short protein forms E2147fs, E2364fs.
Identifiers: ClinVar variation 1455731 (VCV001455731.6), dbSNP rs777613343, ClinGen allele CA3789828.

ClinVar aggregate classification (germline): Pathogenic (1 of 4 stars; one submission).

Conditions:
Primary ciliary dyskinesia. Also called: Ciliary dyskinesia. Identifiers: Orphanet 244, MedGen C0008780, MONDO:0016575, HP:0012265.

Submission:

Labcorp Genetics (formerly Invitae), Labcorp
Classification: Pathogenic for Primary ciliary dyskinesia. Last evaluated: 2022-08-23. Review status: criteria provided, single submitter. Criteria: Invitae Variant Classification Sherloc (09022015). Collection method: clinical testing. Allele origin: germline.
Comment: For these reasons, this variant has been classified as Pathogenic. ClinVar contains an entry for this variant (Variation ID: 1455731). This variant has not been reported in the literature in individuals affected with DNAH8-related conditions. This variant is present in population databases (rs777613343, gnomAD 0.02%). This sequence change creates a premature translational stop signal (p.Glu2364Asnfs*8) in the DNAH8 gene. It is expected to result in an absent or disrupted protein product. Loss-of-function variants in DNAH8 are known to be pathogenic (PMID: 24307375, 32619401, 32681648).

Literature cited by the submitters: PubMed 24307375; PubMed 32619401; PubMed 32681648.